The following is an entry in ClinVar:

ClinVar aggregate classification (germline): Pathogenic (1 of 4 stars; one submission).

Submission:

Labcorp Genetics (formerly Invitae), Labcorp
Classification: Pathogenic. Last evaluated: 2023-11-29. Review status: criteria provided, single submitter. Criteria: Invitae Variant Classification Sherloc (09022015). Collection method: clinical testing. Allele origin: unknown.
Comment: This variant is a gross deletion of the genomic region encompassing exon(s) 63-65 of the MYO15A gene. This deletion is out-of-frame, and is expected to create a premature termination codon and result in an absent or disrupted protein product. Loss-of-function variants in MYO15A are known to be pathogenic (PMID: 17546645). This variant has not been reported in the literature in individuals affected with MYO15A-related conditions. For these reasons, this variant has been classified as Pathogenic.

Literature cited by the submitters: PubMed 17546645.

NC_000017.10:g.(?_18074932)_(18077255_?)del

Gene: MYO15A (myosin XVA; plus strand). Cytogenetic location: 17p11.2.
Variant type: Deletion.
Identifiers: ClinVar variation 3243194 (VCV003243194.1).